The following is an entry in ClinVar:

NM_001353108.3(CEP63):c.790-2A>G

Gene: CEP63 (centrosomal protein 63; plus strand). Cytogenetic location: 3q22.2.
Variant type: single nucleotide variant.
Coding change: c.790-2A>G on transcript NM_001353108.3 (MANE Select); the canonical splice acceptor site of the intron before coding-DNA position 790, A replaced by G.
Molecular consequence: splice acceptor variant.
Genome position (GRCh38, 1-based): chr3:134,546,147, A>G. VCF-style: chr3-134546147-A-G. GRCh37 (hg19) VCF-style: chr3-134264989-A-G.
Other names: c.790-2A>G (NM_001353113.1, NM_001042384.2, NM_001353122.1 and 13 more transcripts); c.817-2A>G (NM_001353118.1); c.427-2A>G (NM_001353126.2); c.706-2A>G (NM_001353125.2).
Identifiers: ClinVar variation 977835 (VCV000977835.10), dbSNP rs773725359, ClinGen allele CA2628499.

ClinVar aggregate classification (germline): Likely pathogenic. Review status: criteria provided, multiple submitters, no conflicts (2 of 4 stars). 3 submissions from 3 submitters: Likely pathogenic (2). 1 of the submissions does not count toward it. Last evaluated 2025-08-14.

Conditions:
Seckel syndrome 6 (SCKL6). Identifiers: MedGen C3553582, MONDO:0013871, OMIM 614728.

Allele frequency attached by ClinVar (database versions not stated): ExAC 0.00003; gnomAD 0.00003; gnomAD exomes 0.00007; TOPMed 0.00006.
gnomAD v4.1: 103 of 1,613,424 alleles (0.0064%); highest among the groups gnomAD compares: Admixed American, 0.01%; no homozygotes.

Submissions (3):

Dasa
Classification: Likely pathogenic. Last evaluated: 2025-08-14. Review status: criteria provided, single submitter. Criteria: DASA Assertion Criteria. Collection method: clinical testing. Allele origin: germline.
Comment: NM_001353108.3(CEP63):c.790-2A>G affects a canonical splice site and is predicted to disrupt normal RNA splicing. Loss of function is an established disease mechanism for CEP63-associated disorders. Also, this variant is rare in population databases. Based on the currently available evidence, this variant is classified as likely pathogenic.

Labcorp Genetics (formerly Invitae), Labcorp
Classification: Likely pathogenic. Last evaluated: 2023-10-09. Review status: criteria provided, single submitter. Criteria: Invitae Variant Classification Sherloc (09022015). Collection method: clinical testing. Allele origin: germline.
Comment: This sequence change affects an acceptor splice site in intron 8 of the CEP63 gene. It is expected to disrupt RNA splicing. Variants that disrupt the donor or acceptor splice site typically lead to a loss of protein function (PMID: 16199547), and loss-of-function variants in CEP63 are known to be pathogenic (PMID: 21983783, 23936128, 26158450). This variant is present in population databases (rs773725359, gnomAD 0.01%). This variant has not been reported in the literature in individuals affected with CEP63-related conditions. ClinVar contains an entry for this variant (Variation ID: 977835). Algorithms developed to predict the effect of sequence changes on RNA splicing suggest that this variant may disrupt the consensus splice site. In summary, the currently available evidence indicates that the variant is pathogenic, but additional data are needed to prove that conclusively. Therefore, this variant has been classified as Likely Pathogenic.

Service de Génétique Moléculaire, Hôpital Robert Debré
Classification: Likely pathogenic for Seckel syndrome 6. Review status: no assertion criteria provided. Collection method: clinical testing. Allele origin: unknown. Affected: yes. Not counted in ClinVar's aggregate classification.

Literature cited by the submitters: PubMed 16199547 (cited by Labcorp Genetics (formerly Invitae), Labcorp); PubMed 21983783 (cited by Labcorp Genetics (formerly Invitae), Labcorp); PubMed 23936128 (cited by Labcorp Genetics (formerly Invitae), Labcorp); PubMed 26158450 (cited by Labcorp Genetics (formerly Invitae), Labcorp).